The following is an entry in ClinVar:

NM_172107.4(KCNQ2):c.2299C>T (p.Arg767Trp)

Gene: KCNQ2 (potassium voltage-gated channel subfamily Q member 2; minus strand). Cytogenetic location: 20q13.33.
Variant type: single nucleotide variant.
Coding change: c.2299C>T on transcript NM_172107.4 (MANE Select); coding-DNA position 2299, C replaced by T.
Protein change: p.Arg767Trp; replaces arginine 767 with tryptophan.
Molecular consequence: missense variant.
Genome position (GRCh38, 1-based): chr20:63,406,964, G>A on the plus strand (C>T on the coding strand, the complement: KCNQ2 is on the minus strand). VCF-style: chr20-63406964-G-A. GRCh37 (hg19) VCF-style: chr20-62038317-G-A.
Other names: c.2215C>T, p.Arg739Trp (NM_004518.6); c.2245C>T, p.Arg749Trp (NM_172106.3); c.2206C>T, p.Arg736Trp (NM_172108.5); short protein forms R767W, R736W, R739W, R749W.
Identifiers: ClinVar variation 432454 (VCV000432454.10), dbSNP rs755823361, ClinGen allele CA9958106.

ClinVar aggregate classification (germline): Uncertain significance. Review status: criteria provided, multiple submitters, no conflicts (2 of 4 stars). 2 submissions from 2 submitters: Uncertain significance (2). Last evaluated 2025-11-03.

Conditions:
Early-infantile DEE. Also called: Early infantile epileptic encephalopathy with suppression bursts; Early infantile epileptic encephalopathy; Ohtahara syndrome. Identifiers: Orphanet 1934, MedGen C0393706, MONDO:0800491.

Allele frequency attached by ClinVar (database versions not stated): gnomAD 0.00002; TOPMed 0.00002; ExAC 0.00010; gnomAD exomes 0.00001.
gnomAD v4.1: 14 of 1,559,768 alleles (0.0009%); highest among the groups gnomAD compares: East Asian, 0.0024%; no homozygotes.

Submissions (2):

Labcorp Genetics (formerly Invitae), Labcorp
Classification: Uncertain significance for Early-infantile DEE. Last evaluated: 2025-11-03. Review status: criteria provided, single submitter. Criteria: Invitae Variant Classification Sherloc (09022015). Collection method: clinical testing. Allele origin: germline.
Comment: This sequence change replaces arginine, which is basic and polar, with tryptophan, which is neutral and slightly polar, at codon 767 of the KCNQ2 protein (p.Arg767Trp). The frequency data for this variant in the population databases is considered unreliable, as metrics indicate poor data quality at this position in the gnomAD database. This variant has not been reported in the literature in individuals affected with KCNQ2-related conditions. ClinVar contains an entry for this variant (Variation ID: 432454). Invitae Evidence Modeling of protein sequence and biophysical properties (such as structural, functional, and spatial information, amino acid conservation, physicochemical variation, residue mobility, and thermodynamic stability) indicates that this missense variant is not expected to disrupt KCNQ2 protein function with a negative predictive value of 95%. In summary, the available evidence is currently insufficient to determine the role of this variant in disease. Therefore, it has been classified as a Variant of Uncertain Significance.

GeneDx
Classification: Uncertain significance. Last evaluated: 2017-06-02. Review status: criteria provided, single submitter. Criteria: GeneDx Variant Classification (06012015). Collection method: clinical testing. Allele origin: germline. Affected: yes.
Comment: A variant of uncertain significance has been identified in the KCNQ2 gene. The R767W variant has not been published as a pathogenic variant, nor has it been reported as a benign variant to our knowledge. The R767W variant is observed in 3/14478 (0.02%) alleles from individuals of European background (Lek et al., 2016; 1000 Genomes Consortium et al., 2015; Exome Variant Server). The R767W variant is a non-conservative amino acid substitution, which is likely to impact secondary protein structure as these residues differ in polarity, charge, size and/or other properties. Additionally, this substitution occurs at a position that is conserved in mammals. In silico analysis is inconsistent in its predictions as to whether or not the variant is damaging to the protein structure/function. Therefore, based on the currently available information, it is unclear whether this variant is a pathogenic variant or a rare benign variant.